The following is an entry in ClinVar:

NM_015046.7(SETX):c.7874C>T (p.Pro2625Leu)

Gene: SETX (senataxin; minus strand). Cytogenetic location: 9q34.13.
Variant type: single nucleotide variant.
Coding change: c.7874C>T on transcript NM_015046.7 (MANE Select); coding-DNA position 7874, C replaced by T.
Protein change: p.Pro2625Leu; replaces proline 2625 with leucine.
Molecular consequence: missense variant.
Genome position (GRCh38, 1-based): chr9:132,264,399, G>A on the plus strand (C>T on the coding strand, the complement: SETX is on the minus strand). VCF-style: chr9-132264399-G-A. GRCh37 (hg19) VCF-style: chr9-135139786-G-A.
Other names: c.7874C>T, p.Pro2625Leu (NM_001351527.2); c.7961C>T, p.Pro2654Leu (NM_001351528.2); short protein forms P2625L, P2654L.
Identifiers: ClinVar variation 365337 (VCV000365337.13), dbSNP rs553413088, ClinGen allele CA5296299.

ClinVar aggregate classification (germline): Conflicting classifications of pathogenicity. Review status: criteria provided, conflicting classifications (1 of 4 stars). 6 submissions from 5 submitters: Uncertain significance (4); Benign (1); Likely benign (1). Last evaluated 2026-05-13.

Conditions:
SETX-related disorder. Also called: SETX-related condition; SETX-related disorders. Identifiers: MedGen CN239403.
Spinocerebellar ataxia, autosomal recessive, with axonal neuropathy 2 (SCAN2). Also called: Ataxia with Oculomotor Apraxia Type 2; ATAXIA-OCULOMOTOR APRAXIA 2; Ataxia-ocular apraxia-2; Ataxia with Oculomotor Apraxia. Identifiers: Orphanet 64753, MedGen C1853761, MONDO:0018996, OMIM 606002.
Amyotrophic lateral sclerosis type 4 (ALS4). Also called: AMYOTROPHIC LATERAL SCLEROSIS 4, JUVENILE; NEURONOPATHY, DISTAL HEREDITARY MOTOR, WITH PYRAMIDAL FEATURES. Identifiers: Orphanet 357043, MedGen C1865409, MONDO:0011223, OMIM 602433.
Inborn genetic diseases. Identifiers: MedGen C0950123, MeSH D030342.

Allele frequency attached by ClinVar (database versions not stated): ExAC 0.00004; TOPMed 0.00004; gnomAD exomes 0.00005; gnomAD 0.00006 and 0.00008; 1000 Genomes Project 30x 0.00016; 1000 Genomes Project 0.00020.
gnomAD v4.1: 87 of 1,614,054 alleles (0.0054%); highest among the groups gnomAD compares: East Asian, 0.13%; no homozygotes.

Submissions (6):

PreventionGenetics, part of Exact Sciences
Classification: Uncertain significance for SETX-related condition. Last evaluated: 2026-05-13. Review status: criteria provided, single submitter. Criteria: ACMG Guidelines, 2015. Collection method: clinical testing. Allele origin: germline.
Comment: The SETX c.7874C>T variant is predicted to result in the amino acid substitution p.Pro2625Leu. To our knowledge, this variant has not been reported in the literature. This variant is reported in 0.017% of alleles in individuals of Latino descent in gnomAD. At this time, the clinical significance of this variant is uncertain due to the absence of conclusive functional and genetic evidence.

Labcorp Genetics (formerly Invitae), Labcorp
Classification: Benign for Amyotrophic lateral sclerosis type 4; Spinocerebellar ataxia, autosomal recessive, with axonal neuropathy 2. Last evaluated: 2025-11-06. Review status: criteria provided, single submitter. Criteria: Invitae Variant Classification Sherloc (09022015). Collection method: clinical testing. Allele origin: germline.

Ambry Genetics
Classification: Uncertain significance for Inborn genetic diseases. Last evaluated: 2023-08-15. Review status: criteria provided, single submitter. Criteria: Ambry Variant Classification Scheme 2023. Collection method: clinical testing. Allele origin: germline.
Comment: Unlikely to be causative of SETX-related juvenile amyotrophic lateral sclerosis (AD) Based on insufficient or conflicting evidence, the clinical significance of this alteration remains unclear.

Athena Diagnostics
Classification: Uncertain significance. Last evaluated: 2021-06-08. Review status: criteria provided, single submitter. Criteria: Athena Diagnostics Criteria. Collection method: clinical testing. Allele origin: unknown.

Illumina Laboratory Services, Illumina
Classification: Uncertain significance for Spinocerebellar ataxia, autosomal recessive, with axonal neuropathy 2. Last evaluated: 2018-01-12. Review status: criteria provided, single submitter. Criteria: ICSL Variant Classification Criteria 13 December 2019. Collection method: clinical testing. Allele origin: germline.

Illumina Laboratory Services, Illumina
Classification: Likely benign for Amyotrophic lateral sclerosis type 4. Last evaluated: 2018-01-12. Review status: criteria provided, single submitter. Criteria: ICSL Variant Classification Criteria 13 December 2019. Collection method: clinical testing. Allele origin: germline.
Comment: This variant was observed in the ICSL laboratory as part of a predisposition screen in an ostensibly healthy population. It had not been previously curated by ICSL or reported in the Human Gene Mutation Database (HGMD: prior to June 1st, 2018), and was therefore a candidate for classification through an automated scoring system. Utilizing variant allele frequency, disease prevalence and penetrance estimates, and inheritance mode, an automated score was calculated to assess if this variant is too frequent to cause the disease. Based on the score and internal cut-off values, a variant classified as likely benign is not then subjected to further curation. The score for this variant resulted in a classification of likely benign for this disease.